The following is an entry in ClinVar:

NM_020822.3(KCNT1):c.3071G>A (p.Arg1024His)

Gene: KCNT1 (potassium sodium-activated channel subfamily T member 1; plus strand). Cytogenetic location: 9q34.3.
Variant type: single nucleotide variant.
Coding change: c.3071G>A on transcript NM_020822.3 (MANE Select); coding-DNA position 3071, G replaced by A.
Protein change: p.Arg1024His; replaces arginine 1024 with histidine.
Molecular consequence: missense variant.
Genome position (GRCh38, 1-based): chr9:135,784,804, G>A. VCF-style: chr9-135784804-G-A. GRCh37 (hg19) VCF-style: chr9-138676650-G-A.
Other names: c.2936G>A, p.Arg979His (NM_001272003.2); short protein forms R1024H, R979H.
Identifiers: ClinVar variation 1022945 (VCV001022945.9), dbSNP rs765283220, ClinGen allele CA5327607.
Genomic context (GRCh38, chr9:135,784,804, plus strand): 5'-GGGTTCCCACCCTGCAGATGAAAATCACCGAGGGCGACCTGTGGATCCGCACGTACGGCC[G>A]CCTCTTCCAGAAGCTCTGCTCCTCCAGCGCCGAGATCCCCATTGGCATCTACCGGACAGA-3'
Protein context (NP_065873.2, residues 1014-1034): EGDLWIRTYG[Arg1024His]LFQKLCSSSA

ClinVar aggregate classification (germline): Uncertain significance (1 of 4 stars; one submission).

Conditions:
Autosomal dominant nocturnal frontal lobe epilepsy 5. Also called: KCNT1-Related Epilepsy; CILIARY DYSKINESIA, PRIMARY, 28, WITHOUT SITUS INVERSUS; CILIARY DYSKINESIA, PRIMARY, 28, WITH SITUS INVERSUS; Epilepsy, nocturnal frontal lobe, 5. Identifiers: Orphanet 98784, MedGen C3554306, MONDO:0014002, OMIM 615005.
Developmental and epileptic encephalopathy, 14 (DEE14). Also called: Early infantile epileptic encephalopathy 14. Identifiers: Orphanet 293181, MedGen C3554195, MONDO:0013989, OMIM 614959.

Allele frequency attached by ClinVar (database versions not stated): gnomAD 0.00001; gnomAD exomes 0.00002 and 0.00005; TOPMed 0.00003; ExAC 0.00006.
gnomAD v4.1: 24 of 1,612,650 alleles (0.0015%); highest among the groups gnomAD compares: East Asian, 0.02%; no homozygotes.

Submission:

Labcorp Genetics (formerly Invitae), Labcorp
Classification: Uncertain significance for Autosomal dominant nocturnal frontal lobe epilepsy 5; Developmental and epileptic encephalopathy, 14. Last evaluated: 2025-12-10. Review status: criteria provided, single submitter. Criteria: Invitae Variant Classification Sherloc (09022015). Collection method: clinical testing. Allele origin: germline.
Comment: This sequence change replaces arginine, which is basic and polar, with histidine, which is basic and polar, at codon 1024 of the KCNT1 protein (p.Arg1024His). This variant is present in population databases (rs765283220, gnomAD 0.02%). This missense change has been observed in individual(s) with clinical features of KCNT1-related conditions (PMID: 32613771). ClinVar contains an entry for this variant (Variation ID: 1022945). Invitae Evidence Modeling of protein sequence and biophysical properties (such as structural, functional, and spatial information, amino acid conservation, physicochemical variation, residue mobility, and thermodynamic stability) indicates that this missense variant is expected to disrupt KCNT1 protein function with a positive predictive value of 80%. In summary, the available evidence is currently insufficient to determine the role of this variant in disease. Therefore, it has been classified as a Variant of Uncertain Significance.

Literature cited by the submitters: PubMed 32613771.